The following is an entry in ClinVar:

ClinVar aggregate classification (germline): Uncertain significance. Review status: criteria provided, multiple submitters, no conflicts (2 of 4 stars). 2 submissions from 2 submitters: Uncertain significance (2). Last evaluated 2025-09-19.

Conditions:
Hereditary cancer-predisposing syndrome. Also called: Tumor predisposition; Hereditary Cancer Syndrome; Hereditary neoplastic syndrome; Neoplastic Syndromes, Hereditary. Identifiers: Orphanet 140162, MedGen C0027672, MeSH D009386, MONDO:0015356.
Peutz-Jeghers syndrome (PJS). Also called: POLYPOSIS, HAMARTOMATOUS INTESTINAL; POLYPS-AND-SPOTS SYNDROME; Peutz-Jeghers polyposis; Periorificial lentiginosis syndrome. Identifiers: Orphanet 2869, MedGen C0031269, MeSH D010580, MONDO:0008280, OMIM 175200.

Submissions (2):

Labcorp Genetics (formerly Invitae), Labcorp
Classification: Uncertain significance for Peutz-Jeghers syndrome. Last evaluated: 2025-09-19. Review status: criteria provided, single submitter. Criteria: Invitae Variant Classification Sherloc (09022015). Collection method: clinical testing. Allele origin: germline.
Comment: This sequence change replaces proline, which is neutral and non-polar, with arginine, which is basic and polar, at codon 203 of the STK11 protein (p.Pro203Arg). This variant is not present in population databases (gnomAD no frequency). This variant has not been reported in the literature in individuals affected with STK11-related conditions. ClinVar contains an entry for this variant (Variation ID: 233612). Invitae Evidence Modeling of protein sequence and biophysical properties (such as structural, functional, and spatial information, amino acid conservation, physicochemical variation, residue mobility, and thermodynamic stability) indicates that this missense variant is not expected to disrupt STK11 protein function with a negative predictive value of 95%. In summary, the available evidence is currently insufficient to determine the role of this variant in disease. Therefore, it has been classified as a Variant of Uncertain Significance.

Ambry Genetics
Classification: Uncertain significance for Hereditary cancer-predisposing syndrome. Last evaluated: 2015-08-27. Review status: criteria provided, single submitter. Criteria: Ambry Variant Classification Scheme 2023. Collection method: clinical testing. Allele origin: germline.
Comment: The p.P203R variant (also known as c.608C>G), located in coding exon 5 of the STK11 gene, results from a C to G substitution at nucleotide position 608. The proline at codon 203 is replaced by arginine, an amino acid with dissimilar properties. This variant was not reported in population based cohorts in the following databases: Database of Single Nucleotide Polymorphisms (dbSNP), NHLBI Exome Sequencing Project (ESP), and 1000 Genomes Project. In the ESP, this variant was not observed in 5994 samples (11988 alleles) with coverage at this position. To date, this alteration has been detected with an allele frequency of approximately 0.001% (greater than 110000 alleles tested) in our clinical cohort. This amino acid position is highly conserved in available vertebrate species. In addition, the in silico prediction for this alteration is inconclusive. Since supporting evidence is limited at this time, the clinical significance of p.P203R remains unclear.

NM_000455.5(STK11):c.608C>G (p.Pro203Arg)

Gene: STK11 (serine/threonine kinase 11; plus strand). Cytogenetic location: 19p13.3.
Variant type: single nucleotide variant.
Coding change: c.608C>G on transcript NM_000455.5 (MANE Select); coding-DNA position 608, C replaced by G.
Protein change: p.Pro203Arg; replaces proline 203 with arginine.
Molecular consequence: missense variant.
Genome position (GRCh38, 1-based): chr19:1,220,591, C>G. VCF-style: chr19-1220591-C-G. GRCh37 (hg19) VCF-style: chr19-1220590-C-G.
Other names: short protein forms P203R.
Identifiers: ClinVar variation 233612 (VCV000233612.13), dbSNP rs587782379, ClinGen allele CA10581006.